The following is an entry in ClinVar:

ClinVar aggregate classification (germline): Likely pathogenic (1 of 4 stars; one submission).

Conditions:
KBG syndrome (KBGS). Also called: ANKRD11-Related KBG Syndrome. Identifiers: Orphanet 2332, MedGen C0220687, MONDO:0007846, OMIM 148050.

Submission:

Laboratorio de Genetica e Diagnostico Molecular, Hospital Israelita Albert Einstein
Classification: Likely pathogenic for KBG syndrome. Last evaluated: 2023-08-18. Review status: criteria provided, single submitter. Criteria: ACMG Guidelines, 2015. Collection method: clinical testing. Allele origin: germline. Affected: yes.
Comment: ACMG classification criteria: PVS1 very strong, PM2 moderate

NM_013275.6(ANKRD11):c.741_743del (p.Tyr247_Lys248delinsTer)

Gene: ANKRD11 (ankyrin repeat domain 11; minus strand). Cytogenetic location: 16q24.3.
Variant type: Deletion.
Coding change: c.741_743del on transcript NM_013275.6 (MANE Select); coding-DNA positions 741 to 743, 3 bases deleted (CAA; older notation c.741_743delCAA).
Protein change: p.Tyr247_Lys248delinsTer.
Molecular consequence: nonsense. On other transcripts: non-coding transcript variant (1).
Genome position (GRCh38, 1-based): chr16:89,288,529-89,288,531, TTG deleted on the plus strand (CAA on the coding strand, the reverse complement: ANKRD11 is on the minus strand); deleting any 3 consecutive bases within chr16:89,288,529-89,288,532 gives the same sequence; the c. name uses the placement nearest the transcript's 3' end. VCF-style (leftmost placement, unchanged base first): chr16-89288528-CTTG-C. GRCh37 (hg19) VCF-style: chr16-89354936-CTTG-C.
Other names: c.741_743del, p.Tyr247_Lys248delinsTer (NM_001256182.2, NM_001256183.2).
Identifiers: ClinVar variation 3901043 (VCV003901043.1).